The following is an entry in ClinVar:

NM_001024630.4(RUNX2):c.1478G>A (p.Gly493Asp)

Gene: RUNX2 (RUNX family transcription factor 2; plus strand). Cytogenetic location: 6p21.1.
Variant type: single nucleotide variant.
Coding change: c.1478G>A on transcript NM_001024630.4 (MANE Select); coding-DNA position 1478, G replaced by A.
Protein change: p.Gly493Asp; replaces glycine 493 with aspartic acid.
Molecular consequence: missense variant.
Genome position (GRCh38, 1-based): chr6:45,547,217, G>A. VCF-style: chr6-45547217-G-A. GRCh37 (hg19) VCF-style: chr6-45514954-G-A.
Other names: c.1412G>A, p.Gly471Asp (NM_001015051.4); c.1370G>A, p.Gly457Asp (NM_001278478.2); c.1436G>A, p.Gly479Asp (NM_001369405.1, NM_004348.3); short protein forms G457D, G471D, G493D, G479D.
Identifiers: ClinVar variation 2087395 (VCV002087395.4), dbSNP rs2481025507, ClinGen allele CA363957309.
Genomic context (GRCh38, chr6:45,547,217, plus strand): 5'-GCACCACCACCTCGAATGGCAGCACGCTATTAAATCCAAATTTGCCTAACCAGAATGATG[G>A]TGTTGACGCTGATGGAAGCCACAGCAGTTCCCCAACTGTTTTGAATTCTAGTGGCAGAAT-3'
Protein context (NP_001019801.3, residues 483-503): LNPNLPNQND[Gly493Asp]VDADGSHSSS

ClinVar aggregate classification (germline): Uncertain significance (1 of 4 stars; one submission).

Submission:

Labcorp Genetics (formerly Invitae), Labcorp
Classification: Uncertain significance. Last evaluated: 2022-09-14. Review status: criteria provided, single submitter. Criteria: Invitae Variant Classification Sherloc (09022015). Collection method: clinical testing. Allele origin: germline.
Comment: This sequence change replaces glycine, which is neutral and non-polar, with aspartic acid, which is acidic and polar, at codon 493 of the RUNX2 protein (p.Gly493Asp). This variant is not present in population databases (gnomAD no frequency). This variant has not been reported in the literature in individuals affected with RUNX2-related conditions. Advanced modeling of protein sequence and biophysical properties (such as structural, functional, and spatial information, amino acid conservation, physicochemical variation, residue mobility, and thermodynamic stability) performed at Invitae indicates that this missense variant is not expected to disrupt RUNX2 protein function. In summary, the available evidence is currently insufficient to determine the role of this variant in disease. Therefore, it has been classified as a Variant of Uncertain Significance.